The following is an entry in ClinVar:

NM_001271938.2(MEGF8):c.7589C>T (p.Pro2530Leu)

Gene: MEGF8 (multiple EGF like domains 8; plus strand). Cytogenetic location: 19q13.2.
Variant type: single nucleotide variant.
Coding change: c.7589C>T on transcript NM_001271938.2 (MANE Select); coding-DNA position 7589, C replaced by T.
Protein change: p.Pro2530Leu; replaces proline 2530 with leucine.
Molecular consequence: missense variant.
Genome position (GRCh38, 1-based): chr19:42,375,826, C>T. VCF-style: chr19-42375826-C-T. GRCh37 (hg19) VCF-style: chr19-42879978-C-T.
Other names: c.7388C>T, p.Pro2463Leu (NM_001410.3); c.7388C>T (NM_001410.2); short protein forms P2463L, P2530L.
Identifiers: ClinVar variation 1401939 (VCV001401939.8), dbSNP rs769598183, ClinGen allele CA9476208.

ClinVar aggregate classification (germline): Uncertain significance. Review status: criteria provided, multiple submitters, no conflicts (2 of 4 stars). 2 submissions from 2 submitters: Uncertain significance (2). Last evaluated 2025-11-20.

Conditions:
Inborn genetic diseases. Identifiers: MedGen C0950123, MeSH D030342.
MEGF8-related Carpenter syndrome. Also called: Carpenter syndrome 2. Identifiers: Orphanet 65759, MedGen C3554247, MONDO:0013998, OMIM 614976.

Allele frequency attached by ClinVar (database versions not stated): ExAC 0.00001; gnomAD exomes 0.00002; gnomAD 0.00005; TOPMed 0.00006.
gnomAD v4.1: 41 of 1,611,802 alleles (0.0025%); highest among the groups gnomAD compares: Middle Eastern, 0.017%; no homozygotes.

Submissions (2):

Labcorp Genetics (formerly Invitae), Labcorp
Classification: Uncertain significance for MEGF8-related Carpenter syndrome. Last evaluated: 2025-11-20. Review status: criteria provided, single submitter. Criteria: Invitae Variant Classification Sherloc (09022015). Collection method: clinical testing. Allele origin: germline.
Comment: This sequence change replaces proline, which is neutral and non-polar, with leucine, which is neutral and non-polar, at codon 2463 of the MEGF8 protein (p.Pro2463Leu). This variant is present in population databases (rs769598183, gnomAD 0.007%). This variant has not been reported in the literature in individuals affected with MEGF8-related conditions. ClinVar contains an entry for this variant (Variation ID: 1401939). An algorithm developed to predict the effect of missense changes on protein structure and function (PolyPhen-2) suggests that this variant is likely to be tolerated. In summary, the available evidence is currently insufficient to determine the role of this variant in disease. Therefore, it has been classified as a Variant of Uncertain Significance.

Ambry Genetics
Classification: Uncertain significance for Inborn genetic diseases. Last evaluated: 2021-08-18. Review status: criteria provided, single submitter. Criteria: Ambry Variant Classification Scheme 2023. Collection method: clinical testing. Allele origin: germline.